The following is an entry in ClinVar:

NM_033409.4(SLC52A3):c.304G>A (p.Gly102Ser)

Gene: SLC52A3 (solute carrier family 52 member 3; minus strand). Cytogenetic location: 20p13.
Variant type: single nucleotide variant.
Coding change: c.304G>A on transcript NM_033409.4 (MANE Select); coding-DNA position 304, G replaced by A.
Protein change: p.Gly102Ser; replaces glycine 102 with serine.
Molecular consequence: missense variant.
Genome position (GRCh38, 1-based): chr20:765,471, C>T on the plus strand (G>A on the coding strand, the complement: SLC52A3 is on the minus strand). VCF-style: chr20-765471-C-T. GRCh37 (hg19) VCF-style: chr20-746115-C-T.
Other names: c.304G>A, p.Gly102Ser (NM_001370085.1, NM_001370086.1); short protein forms G102S.
Identifiers: ClinVar variation 854680 (VCV000854680.7), dbSNP rs770944402, ClinGen allele CA9724801.

ClinVar aggregate classification (germline): Uncertain significance (1 of 4 stars; one submission).

Conditions:
Brown-Vialetto-van Laere syndrome 1. Also called: BROWN-VIALETTO-VAN LAERE SYNDROME 1, MILD; BULBAR PALSY, PROGRESSIVE, WITH SENSORINEURAL DEAFNESS; PONTOBULBAR PALSY WITH DEAFNESS. Identifiers: Orphanet 572550, Orphanet 97229, MedGen C0796274, MONDO:0024537, OMIM 211530.

Allele frequency attached by ClinVar (database versions not stated): gnomAD 0.00001; gnomAD exomes below 0.00001 and 0.00002; TOPMed 0.00001; ExAC 0.00003.
gnomAD v4.1: 8 of 1,603,062 alleles (0.0005%); highest among the groups gnomAD compares: Admixed American, 0.0035%; no homozygotes.

Submission:

Labcorp Genetics (formerly Invitae), Labcorp
Classification: Uncertain significance for Brown-Vialetto-van Laere syndrome 1. Last evaluated: 2022-07-13. Review status: criteria provided, single submitter. Criteria: Invitae Variant Classification Sherloc (09022015). Collection method: clinical testing. Allele origin: germline.
Comment: This sequence change replaces glycine, which is neutral and non-polar, with serine, which is neutral and polar, at codon 102 of the SLC52A3 protein (p.Gly102Ser). This variant is present in population databases (rs770944402, gnomAD 0.006%). This variant has not been reported in the literature in individuals affected with SLC52A3-related conditions. ClinVar contains an entry for this variant (Variation ID: 854680). Algorithms developed to predict the effect of missense changes on protein structure and function output the following: SIFT: "Tolerated"; PolyPhen-2: "Benign"; Align-GVGD: "Class C0". The serine amino acid residue is found in multiple mammalian species, which suggests that this missense change does not adversely affect protein function. Algorithms developed to predict the effect of sequence changes on RNA splicing suggest that this variant may create or strengthen a splice site. In summary, the available evidence is currently insufficient to determine the role of this variant in disease. Therefore, it has been classified as a Variant of Uncertain Significance.